The following is an entry in ClinVar:

ClinVar aggregate classification (germline): Uncertain significance (1 of 4 stars; one submission).

Submission:

Laboratorio de Genetica e Diagnostico Molecular, Hospital Israelita Albert Einstein
Classification: Uncertain significance. Last evaluated: 2019-05-16. Review status: criteria provided, single submitter. Criteria: ACMG Guidelines, 2015. Collection method: clinical testing. Allele origin: germline. Affected: yes.
Comment: ACMG classification criteria: PM2

NM_005765.3(ATP6AP2):c.666T>G (p.Ile222Met)

Gene: ATP6AP2 (ATPase H+ transporting accessory protein 2; plus strand). Cytogenetic location: Xp11.4.
Variant type: single nucleotide variant.
Coding change: c.666T>G on transcript NM_005765.3 (MANE Select); coding-DNA position 666, T replaced by G.
Protein change: p.Ile222Met; replaces isoleucine 222 with methionine.
Molecular consequence: missense variant.
Genome position (GRCh38, 1-based): chrX:40,599,669, T>G. VCF-style: chrX-40599669-T-G. GRCh37 (hg19) VCF-style: chrX-40458921-T-G.
Other names: short protein forms I222M.
Identifiers: ClinVar variation 1690870 (VCV001690870.2), dbSNP rs2146543649, ClinGen allele CA412756866.